The following is an entry in ClinVar:

ClinVar aggregate classification (germline): Uncertain significance (1 of 4 stars; one submission).

Conditions:
Familial sleep-related hypermotor epilepsy. Also called: Autosomal Dominant Sleep-Related Hypermotor (Hyperkinetic) Epilepsy. Identifiers: Orphanet 98784, MedGen C3696898, MONDO:0000030.

gnomAD v4.1: 1 of 1,539,170 alleles (0.000065%); highest among the groups gnomAD compares: Non-Finnish European, 0.000087%; no homozygotes.

Submission:

Labcorp Genetics (formerly Invitae), Labcorp
Classification: Uncertain significance. Last evaluated: 2022-08-25. Review status: criteria provided, single submitter. Criteria: Invitae Variant Classification Sherloc (09022015). Collection method: clinical testing. Allele origin: germline.
Comment: In summary, the available evidence is currently insufficient to determine the role of this variant in disease. Therefore, it has been classified as a Variant of Uncertain Significance. Advanced modeling of protein sequence and biophysical properties (such as structural, functional, and spatial information, amino acid conservation, physicochemical variation, residue mobility, and thermodynamic stability) performed at Invitae indicates that this missense variant is not expected to disrupt CHRNB2 protein function. ClinVar contains an entry for this variant (Variation ID: 1352730). This variant has not been reported in the literature in individuals affected with CHRNB2-related conditions. This variant is not present in population databases (gnomAD no frequency). This sequence change replaces alanine, which is neutral and non-polar, with threonine, which is neutral and polar, at codon 384 of the CHRNB2 protein (p.Ala384Thr).

NM_000748.3(CHRNB2):c.1150G>A (p.Ala384Thr)

Gene: CHRNB2 (cholinergic receptor nicotinic beta 2 subunit; plus strand). Cytogenetic location: 1q21.3.
Variant type: single nucleotide variant.
Coding change: c.1150G>A on transcript NM_000748.3 (MANE Select); coding-DNA position 1150, G replaced by A.
Protein change: p.Ala384Thr; replaces alanine 384 with threonine.
Molecular consequence: missense variant.
Genome position (GRCh38, 1-based): chr1:154,571,973, G>A. VCF-style: chr1-154571973-G-A. GRCh37 (hg19) VCF-style: chr1-154544449-G-A.
Other names: short protein forms A384T.
Identifiers: ClinVar variation 1352730 (VCV001352730.8), dbSNP rs2101522239, ClinGen allele CA342631583.